The following is an entry in ClinVar:

NM_001369.3(DNAH5):c.2428A>G (p.Ile810Val)

Genes: DNAH5 (dynein axonemal heavy chain 5; minus strand), DNAH5-AS1 (DNAH5 antisense RNA 1; plus strand). Cytogenetic location: 5p15.2.
Variant type: single nucleotide variant.
Coding change: c.2428A>G on transcript NM_001369.3 (MANE Select); coding-DNA position 2428, A replaced by G.
Protein change: p.Ile810Val; replaces isoleucine 810 with valine.
Molecular consequence: missense variant.
Genome position (GRCh38, 1-based): chr5:13,894,653, T>C on the plus strand (A>G on the coding strand, the complement: DNAH5 is on the minus strand). VCF-style: chr5-13894653-T-C. GRCh37 (hg19) VCF-style: chr5-13894762-T-C.
Other names: short protein forms I810V.
Identifiers: ClinVar variation 2630355 (VCV002630355.1), dbSNP rs376735565, ClinGen allele CA113939385.

ClinVar aggregate classification (germline): Uncertain significance (1 of 4 stars; one submission).

Conditions:
DNAH5-related disorder. Also called: DNAH5-related condition.

Allele frequency attached by ClinVar (database versions not stated): TOPMed below 0.00001; ESP Exome Variant Server 0.00008.

Submission:

PreventionGenetics, part of Exact Sciences
Classification: Uncertain significance for DNAH5-related condition. Last evaluated: 2023-01-27. Review status: criteria provided, single submitter. Criteria: ACMG Guidelines, 2015. Collection method: clinical testing. Allele origin: germline.
Comment: The DNAH5 c.2428A>G variant is predicted to result in the amino acid substitution p.Ile810Val. To our knowledge, this variant has not been reported in the literature or in a large population database, indicating this variant is rare. At this time, the clinical significance of this variant is uncertain due to the absence of conclusive functional and genetic evidence.